The following is an entry in ClinVar:

NM_001276345.2(TNNT2):c.135G>A (p.Glu45=)

Gene: TNNT2 (troponin T2, cardiac type; minus strand). Cytogenetic location: 1q32.1.
Variant type: single nucleotide variant.
Coding change: c.135G>A on transcript NM_001276345.2 (MANE Select); coding-DNA position 135, G replaced by A.
Protein change: p.Glu45=; no amino-acid change (glutamic acid 45 retained).
Molecular consequence: synonymous variant.
Genome position (GRCh38, 1-based): chr1:201,368,190, C>T on the plus strand (G>A on the coding strand, the complement: TNNT2 is on the minus strand). VCF-style: chr1-201368190-C-T. GRCh37 (hg19) VCF-style: chr1-201337318-C-T.
Other names: c.135G>A, p.Glu45= (NM_000364.4, NM_001276346.2); c.105G>A, p.Glu35= (NM_001001430.3, NM_001001431.3, NM_001276347.2); c.90G>A, p.Glu30= (NM_001001432.3).
Identifiers: ClinVar variation 920614 (VCV000920614.13), dbSNP rs756174289, ClinGen allele CA077116.
Genomic context (GRCh38, chr1:201,368,190, plus strand): 5'-TGAGGCCCCTGCACCCTCAACCAGAGACTTACCTTCTGCCCTGGTCTCCTCGGTCTCAGC[C>T]TCTGCTTCAGCATCCTCTTCCGCTGCCTCCTCCTGCTCTGGAGAAGTGAAGCAGACAGAG-3'
Protein context (NP_001263274.1, residues 35-55): EEAAEEDAEA[Glu45=]AETEETRAEE

ClinVar aggregate classification (germline): Likely benign. Review status: criteria provided, multiple submitters, no conflicts (2 of 4 stars). 7 submissions from 5 submitters: Likely benign (7). Last evaluated 2025-07-31.

Conditions:
Cardiovascular phenotype. Identifiers: MedGen CN230736.
Hypertrophic cardiomyopathy 2. Also called: TNNT2-Related Familial Hypertrophic Cardiomyopathy. Identifiers: MedGen C1861864, MONDO:0007266, OMIM 115195.
Dilated cardiomyopathy 1D. Identifiers: Orphanet 154, Orphanet 54260, MedGen C1832243, MONDO:0011095, OMIM 601494.
Cardiomyopathy (CMYO). Also called: Cardiomyopathies. Identifiers: Orphanet 167848, MedGen C0878544, MONDO:0004994, HP:0001638. Inheritance: Various modes of inheritance.
Cardiomyopathy, familial restrictive, 3. Identifiers: Orphanet 75249, MedGen C2676271, MONDO:0012900, OMIM 612422.

Allele frequency attached by ClinVar (database versions not stated): ExAC 0.00001; gnomAD 0.00001; gnomAD exomes 0.00001 and 0.00002; TOPMed 0.00002.
gnomAD v4.1: 7 of 1,614,044 alleles (0.00043%); highest among the groups gnomAD compares: Admixed American, 0.012%; no homozygotes.

Submissions (7):

Labcorp Genetics (formerly Invitae), Labcorp
Classification: Likely benign for Cardiomyopathy, familial restrictive, 3; Hypertrophic cardiomyopathy 2; Dilated cardiomyopathy 1D. Last evaluated: 2025-07-31. Review status: criteria provided, single submitter. Criteria: Invitae Variant Classification Sherloc (09022015). Collection method: clinical testing. Allele origin: germline.

Ambry Genetics
Classification: Likely benign for Cardiovascular phenotype. Last evaluated: 2024-12-09. Review status: criteria provided, single submitter. Criteria: Ambry Variant Classification Scheme 2023. Collection method: clinical testing. Allele origin: germline.

All of Us Research Program, National Institutes of Health
Classification: Likely benign for Cardiomyopathy. Last evaluated: 2023-12-01. Review status: criteria provided, single submitter. Criteria: ACMG Guidelines, 2015. Collection method: clinical testing. Allele origin: germline. Inheritance: Autosomal dominant inheritance. Observed: 5 variant alleles, 5 heterozygotes.
Comment: This study involves interpretation of variants in research participants for the purpose of population health screening. Participant phenotype was not available at the time of variant classification. Additional details can be found in publication PMID: 35346344, PMCID: PMC8962531

Genome-Nilou Lab
Classification: Likely benign for Dilated cardiomyopathy 1D. Last evaluated: 2023-11-04. Review status: criteria provided, single submitter. Criteria: ACMG Guidelines, 2015. Collection method: clinical testing. Allele origin: germline. Affected: no.

Genome-Nilou Lab
Classification: Likely benign for Cardiomyopathy, familial restrictive, 3. Last evaluated: 2023-11-04. Review status: criteria provided, single submitter. Criteria: ACMG Guidelines, 2015. Collection method: clinical testing. Allele origin: germline. Affected: no.

Genome-Nilou Lab
Classification: Likely benign for Hypertrophic cardiomyopathy 2. Last evaluated: 2023-11-04. Review status: criteria provided, single submitter. Criteria: ACMG Guidelines, 2015. Collection method: clinical testing. Allele origin: germline. Affected: no.

Color Diagnostics, LLC DBA Color Health
Classification: Likely benign for Cardiomyopathy. Last evaluated: 2019-05-14. Review status: criteria provided, single submitter. Criteria: ACMG Guidelines, 2015. Collection method: clinical testing. Allele origin: germline.